The following is an entry in ClinVar:

ClinVar aggregate classification (germline): Conflicting classifications of pathogenicity. Review status: criteria provided, conflicting classifications (1 of 4 stars). 2 submissions from 2 submitters: Likely pathogenic (1); Uncertain significance (1). Last evaluated 2026-09-14.

Conditions:
Inborn genetic diseases. Identifiers: MedGen C0950123, MeSH D030342.

gnomAD v4.1: 9 of 1,614,216 alleles (0.00056%); highest among the groups gnomAD compares: Non-Finnish European, 0.00076%; no homozygotes.

Submissions (2):

Ambry Genetics
Classification: Likely pathogenic for Inborn genetic diseases. Last evaluated: 2026-09-14. Review status: criteria provided, single submitter. Criteria: Ambry Variant Classification Scheme 2023. Collection method: clinical testing. Allele origin: germline.
Comment: The c.1472T>C (p.I491T) alteration is located in exon 14 (coding exon 13) of the OCA2 gene. This alteration results from a T to C substitution at nucleotide position 1472, causing the isoleucine (I) at amino acid position 491 to be replaced by a threonine (T). Based on data from gnomAD, the C allele has an overall frequency of 0.0005575% (9/1614216) total alleles studied. The highest observed frequency was 0.0007627% (9/1180040) of European (non-Finnish) alleles. This amino acid position is well conserved in available vertebrate species. This alteration is predicted to be deleterious by in silico analysis. Based on the available evidence, this alteration is classified as likely pathogenic.

Labcorp Genetics (formerly Invitae), Labcorp
Classification: Uncertain significance. Last evaluated: 2024-08-21. Review status: criteria provided, single submitter. Criteria: Invitae Variant Classification Sherloc (09022015). Collection method: clinical testing. Allele origin: germline.
Comment: This sequence change replaces isoleucine, which is neutral and non-polar, with threonine, which is neutral and polar, at codon 491 of the OCA2 protein (p.Ile491Thr). This variant is not present in population databases (gnomAD no frequency). This variant has not been reported in the literature in individuals affected with OCA2-related conditions. Invitae Evidence Modeling of protein sequence and biophysical properties (such as structural, functional, and spatial information, amino acid conservation, physicochemical variation, residue mobility, and thermodynamic stability) indicates that this missense variant is expected to disrupt OCA2 protein function with a positive predictive value of 80%. In summary, the available evidence is currently insufficient to determine the role of this variant in disease. Therefore, it has been classified as a Variant of Uncertain Significance.

NM_000275.3(OCA2):c.1472T>C (p.Ile491Thr)

Gene: OCA2 (OCA2 melanosomal transmembrane protein; minus strand). Cytogenetic location: 15q13.1.
Variant type: single nucleotide variant.
Coding change: c.1472T>C on transcript NM_000275.3 (MANE Select); coding-DNA position 1472, T replaced by C.
Protein change: p.Ile491Thr; replaces isoleucine 491 with threonine.
Molecular consequence: missense variant.
Genome position (GRCh38, 1-based): chr15:27,983,376, A>G on the plus strand (T>C on the coding strand, the complement: OCA2 is on the minus strand). VCF-style: chr15-27983376-A-G. GRCh37 (hg19) VCF-style: chr15-28228522-A-G.
Other names: c.1400T>C, p.Ile467Thr (NM_001300984.2); c.1472T>C (NM_000275.2); short protein forms I491T, I467T.
Identifiers: ClinVar variation 3721631 (VCV003721631.4).